The following is an entry in ClinVar:

NM_017617.5(NOTCH1):c.5446G>A (p.Glu1816Lys)

Gene: NOTCH1 (notch receptor 1; minus strand). Cytogenetic location: 9q34.3.
Variant type: single nucleotide variant.
Coding change: c.5446G>A on transcript NM_017617.5 (MANE Select); coding-DNA position 5446, G replaced by A.
Protein change: p.Glu1816Lys; replaces glutamic acid 1816 with lysine.
Molecular consequence: missense variant.
Genome position (GRCh38, 1-based): chr9:136,502,027, C>T on the plus strand (G>A on the coding strand, the complement: NOTCH1 is on the minus strand). VCF-style: chr9-136502027-C-T. GRCh37 (hg19) VCF-style: chr9-139396479-C-T.
Other names: c.5446G>A (NM_017617.3); short protein forms E1816K.
Identifiers: ClinVar variation 2581710 (VCV002581710.6), dbSNP rs763140976, ClinGen allele CA5340264.

ClinVar aggregate classification (germline): Conflicting classifications of pathogenicity. Review status: criteria provided, conflicting classifications (1 of 4 stars). 3 submissions from 3 submitters: Uncertain significance (2); Likely benign (1). Last evaluated 2025-10-18.

Conditions:
Familial thoracic aortic aneurysm and aortic dissection (TAAD). Also called: Thoracic aortic aneurysms and dissections. Identifiers: Orphanet 91387, MedGen C4707243, MONDO:0019625.
Adams-Oliver syndrome 5 (AOS5). Identifiers: Orphanet 974, MedGen C4014970, MONDO:0014459, OMIM 616028.

Allele frequency attached by ClinVar (database versions not stated): gnomAD 0.00001; gnomAD exomes 0.00001; ExAC 0.00002.
gnomAD v4.1: 15 of 1,613,128 alleles (0.00093%); highest among the groups gnomAD compares: South Asian, 0.0077%; no homozygotes.

Submissions (3):

Ambry Genetics
Classification: Uncertain significance for Familial thoracic aortic aneurysm and aortic dissection. Last evaluated: 2025-10-18. Review status: criteria provided, single submitter. Criteria: Ambry Variant Classification Scheme 2023. Collection method: clinical testing. Allele origin: germline.

Labcorp Genetics (formerly Invitae), Labcorp
Classification: Likely benign for Adams-Oliver syndrome 5. Last evaluated: 2025-04-19. Review status: criteria provided, single submitter. Criteria: Invitae Variant Classification Sherloc (09022015). Collection method: clinical testing. Allele origin: germline.

Women's Health and Genetics/Laboratory Corporation of America, LabCorp
Classification: Uncertain significance. Last evaluated: 2023-08-15. Review status: criteria provided, single submitter. Criteria: LabCorp Variant Classification Summary - May 2015. Collection method: clinical testing. Allele origin: germline.
Comment: Variant summary: NOTCH1 c.5446G>A (p.Glu1816Lys) results in a conservative amino acid change in the encoded protein sequence. Three of five in-silico tools predict a benign effect of the variant on protein function. The variant allele was found at a frequency of 1.2e-05 in 248616 control chromosomes (gnomAD). The available data on variant occurrences in the general population are insufficient to allow any conclusion about variant significance. To our knowledge, no occurrence of c.5446G>A in individuals affected with Adams-Oliver Syndrome 5 and no experimental evidence demonstrating its impact on protein function have been reported. No submitters have cited clinical-significance assessments for this variant to ClinVar after 2014. Based on the evidence outlined above, the variant was classified as uncertain significance.